The following is an entry in ClinVar:

ClinVar aggregate classification (germline): Pathogenic (1 of 4 stars; one submission).

Allele frequency attached by ClinVar (database versions not stated): gnomAD 0.00001.
gnomAD v4.1: 2 of 1,613,168 alleles (0.00012%); highest among the groups gnomAD compares: Admixed American, 0.0033%; no homozygotes.

Submission:

Labcorp Genetics (formerly Invitae), Labcorp
Classification: Pathogenic. Last evaluated: 2020-08-05. Review status: criteria provided, single submitter. Criteria: Invitae Variant Classification Sherloc (09022015). Collection method: clinical testing. Allele origin: germline.
Comment: Loss-of-function variants in ACBD5 are known to be pathogenic (PMID: 23105016, 27799409). For these reasons, this variant has been classified as Pathogenic. This variant has not been reported in the literature in individuals with ACBD5-related conditions. This variant is not present in population databases (ExAC no frequency). This sequence change creates a premature translational stop signal (p.Trp14*) in the ACBD5 gene. It is expected to result in an absent or disrupted protein product.

Literature cited by the submitters: PubMed 23105016; PubMed 27799409.

NM_145698.5(ACBD5):c.42G>A (p.Trp14Ter)

Genes: ACBD5 (acyl-CoA binding domain containing 5; minus strand), LOC130003557 (ATAC-STARR-seq lymphoblastoid active region 3182; plus strand). Cytogenetic location: 10p12.1.
Variant type: single nucleotide variant.
Coding change: c.42G>A on transcript NM_145698.5 (MANE Select); coding-DNA position 42, G replaced by A.
Protein change: p.Trp14Ter; replaces tryptophan 14 with a stop codon.
Molecular consequence: nonsense. On other transcripts: 5 prime UTR variant (16).
Genome position (GRCh38, 1-based): chr10:27,240,458, C>T on the plus strand (G>A on the coding strand, the complement: ACBD5 is on the minus strand). VCF-style: chr10-27240458-C-T. GRCh37 (hg19) VCF-style: chr10-27529387-C-T.
Other names: c.-64G>A (NM_001042473.4, NM_001352574.2, NM_001352575.2 and 6 more transcripts); c.36G>A, p.Trp12Ter (NM_001271512.3, NM_001352571.1, NM_001352586.1 and 1 more transcripts); c.-165G>A (NM_001301251.2, NM_001301252.2, NM_001301253.2 and 4 more transcripts); c.63G>A, p.Trp21Ter (NM_001352568.1, NM_001352572.1); c.42G>A, p.Trp14Ter (NM_001352569.1, NM_001352570.1, NM_001352573.1 and 2 more transcripts); short protein forms W12*, W14*, W21*.
Identifiers: ClinVar variation 1069217 (VCV001069217.5), dbSNP rs2065341675, ClinGen allele CA376378893.
Genomic context (GRCh38, chr10:27,240,458, plus strand): 5'-CAGCTGCCAGTGTTGGCCCCGGTCCCAAGGTCTGTCGGCGGGAATCAGGCAGCAGCAGCA[C>T]CAGCTTTCCCAAGAGCCTGCATGAAACTGGAACATGGAGCGCAGCCGCGGATCAACATGC-3'